The following is an entry in ClinVar:

ClinVar aggregate classification (germline): Pathogenic/Likely pathogenic. Review status: criteria provided, multiple submitters, no conflicts (2 of 4 stars). 3 submissions from 3 submitters: Pathogenic (1); Likely pathogenic (2). Last evaluated 2023-09-27.

Conditions:
Arrhythmogenic right ventricular dysplasia 10. Also called: Arrhythmogenic Right Ventricular Dysplasia/Cardiomyopathy10; ARRHYTHMOGENIC RIGHT VENTRICULAR DYSPLASIA, FAMILIAL, 10; Arrhythmogenic right ventricular dysplasia/cardiomyopathy, type 10. Identifiers: MedGen C1857777, MONDO:0012434, OMIM 610193.
Dilated cardiomyopathy 1BB (CMD1BB). Also called: CARDIOMYOPATHY, DILATED, 1BB, SUSCEPTIBILITY TO. Identifiers: Orphanet 154, MedGen C2752072, MONDO:0013030, OMIM 612877.

Submissions (3):

Labcorp Genetics (formerly Invitae), Labcorp
Classification: Pathogenic for Arrhythmogenic right ventricular dysplasia 10. Last evaluated: 2023-09-27. Review status: criteria provided, single submitter. Criteria: Invitae Variant Classification Sherloc (09022015). Collection method: clinical testing. Allele origin: germline.
Comment: This sequence change creates a premature translational stop signal (p.Gly997Valfs*20) in the DSG2 gene. While this is not anticipated to result in nonsense mediated decay, it is expected to disrupt the last 122 amino acid(s) of the DSG2 protein. This variant is not present in population databases (gnomAD no frequency). This premature translational stop signal has been observed in individuals with arrhythmogenic right ventricular cardiomyopathy (PMID: 21723241, 24070718). ClinVar contains an entry for this variant (Variation ID: 1701778). Algorithms developed to predict the effect of variants on protein structure and function are not available or were not evaluated for this variant. Experimental studies have shown that this premature translational stop signal affects DSG2 function (PMID: 23128240). This variant disrupts a region of the DSG2 protein in which other variant(s) (p.Glu1020Alafs*18) have been determined to be pathogenic (PMID: 20864495, 21397041, 23381804). This suggests that this is a clinically significant region of the protein, and that variants that disrupt it are likely to be disease-causing. For these reasons, this variant has been classified as Pathogenic.

New York Genome Center
Classification: Likely pathogenic for Arrhythmogenic right ventricular dysplasia 10; Dilated cardiomyopathy 1BB. Last evaluated: 2021-09-26. Review status: criteria provided, single submitter. Criteria: NYGC Assertion Criteria 2020. Collection method: clinical testing. Allele origin: inherited. Observed: 1 heterozygote. Study: CSER-NYCKidSeq.
Comment: The inherited c.2990del (p.Gly997ValfsTer20) variant identified in the DSG2 gene is the deletion of a single nucleotide at c.2990, which is predicted to lead to a frameshift at amino acid 997/ 1119 (exon 15/15) and result in the premature termination of the protein approximately 20 amino acids downstream of the variant. This variant is found with low frequency in gnomAD(V2.1.1) (1 heterozygote, 0 homozygotes; allele frequency:4.01e-6) suggesting it is not a common benign variant in the populations represented in that database. This variant is absent from ClinVar, although frameshift variants downstream of the one identified here have been reported as Pathogenic and Likely Pathogenic (VarIDs:870737, 1069061, 199827, others). The p.Gly997ValfsTer20 variant identified here has been reported in one pediatric patient with a family history of ARVD, but with yet uncertain cardiac phenotype [PMID:21723241], and in three additional individuals with ARVD, one of whom had an additional DSG2 nonsense variant in trans [PMID:24070718]. Additional affected individuals have been reported with nonsense or frameshift variants downstream of the one identified here, suggesting a critical role for the C-terminal regions of DSG2 [PMID:34135346, 33821670, 26743238]. The p.Gly997ValfsTer20 variant occurs within the fifth Desmoglein repeat of the protein and is predicted to remove most of that repeat as well as the 6th Desmoglein repeat (UniProtKB:Q14126). In yeast model systems, the series of cadherin repeats within the C-terminal region (also called the DSG Unique Region (DUR)) are criticalfor protein-protein interactions, as well as DSG localization and function [PMID:23128240]. Introduction of a frameshift variant similar to the one identified here abrogated DUR-DUR interactions and resulted in significant mislocalization of the protein and impaired delivery and/or increased internalization of the protein [PMID:23128240]. The inherited c.2990del (p.Gly997ValfsTer20) variant identified in the DSG2 gene of this individual is reported as Likely Pathogenic

Juno Genomics, Hangzhou Juno Genomics, Inc
Classification: Likely pathogenic for Arrhythmogenic right ventricular dysplasia 10; Dilated cardiomyopathy 1BB. Review status: criteria provided, single submitter. Criteria: ACMG Guidelines, 2015. Collection method: clinical testing. Allele origin: germline.
Comment: Absent from controls (or at extremely low frequency if recessive) in Genome Aggregation Database.;Null variant in a gene where loss of function (LOF) is a known mechanism of disease.;The prevalence of the variant in affected individuals is significantly increased compared to the prevalence in controls.

Literature cited by the submitters: PubMed 21723241 (cited by Labcorp Genetics (formerly Invitae), Labcorp); PubMed 24070718 (cited by Labcorp Genetics (formerly Invitae), Labcorp); PubMed 23128240 (cited by Labcorp Genetics (formerly Invitae), Labcorp); PubMed 20864495 (cited by Labcorp Genetics (formerly Invitae), Labcorp); PubMed 21397041 (cited by Labcorp Genetics (formerly Invitae), Labcorp); PubMed 23381804 (cited by Labcorp Genetics (formerly Invitae), Labcorp).

NM_001943.5(DSG2):c.2990del (p.Gly997fs)

Genes: DSG2 (desmoglein 2; plus strand), DSG2-AS1 (DSG2 antisense RNA 1; minus strand). Cytogenetic location: 18q12.1.
Variant type: Deletion.
Coding change: c.2990del on transcript NM_001943.5 (MANE Select); coding-DNA position 2990, one base deleted (G; older notation c.2990delG).
Protein change: p.Gly997fs; shifts the reading frame from glycine 997.
Molecular consequence: frameshift variant.
Genome position (GRCh38, 1-based): chr18:31,546,376, G deleted; the last of 5 consecutive G bases (chr18:31,546,372-31,546,376); deleting any one gives the same sequence. VCF-style (leftmost placement, unchanged base first): chr18-31546371-TG-T. GRCh37 (hg19) VCF-style: chr18-29126334-TG-T.
Other names: short protein forms G997fs.
Identifiers: ClinVar variation 1701778 (VCV001701778.10), dbSNP rs1252426323, ClinGen allele CA919958573.